The following is an entry in ClinVar:

NM_003924.4(PHOX2B):c.914A>C (p.Lys305Thr)

Gene: PHOX2B (paired like homeobox 2B; minus strand). Cytogenetic location: 4p13.
Variant type: single nucleotide variant.
Coding change: c.914A>C on transcript NM_003924.4 (MANE Select); coding-DNA position 914, A replaced by C.
Protein change: p.Lys305Thr; replaces lysine 305 with threonine.
Molecular consequence: missense variant.
Genome position (GRCh38, 1-based): chr4:41,745,838, T>G on the plus strand (A>C on the coding strand, the complement: PHOX2B is on the minus strand). VCF-style: chr4-41745838-T-G. GRCh37 (hg19) VCF-style: chr4-41747855-T-G.
Other names: short protein forms K305T.
Identifiers: ClinVar variation 2563106 (VCV002563106.2), dbSNP rs2552096755, ClinGen allele CA356736736.
Genomic context (GRCh38, chr4:41,745,838, plus strand): 5'-CGCCGCCGCCGCCGCCGCAGGATTCCAGATCAGAACATACTGCTCTTCACTAAGGCGGCT[T>G]TGGCACCGTTGGGTCTTTGGAGCGAAGATAGGACGCTGGCGAAGGGACCCCCAAGCGAAT-3'
Protein context (NP_003915.2, residues 295-314): LSSLQRPNGA[Lys305Thr]AALVKSSMF

ClinVar aggregate classification (germline): Uncertain significance (1 of 4 stars; one submission).

Conditions:
Hereditary cancer-predisposing syndrome. Also called: Neoplastic Syndromes, Hereditary; Hereditary Cancer Syndrome; Hereditary neoplastic syndrome; Tumor predisposition. Identifiers: Orphanet 140162, MedGen C0027672, MeSH D009386, MONDO:0015356.

Submission:

Ambry Genetics
Classification: Uncertain significance for Hereditary cancer-predisposing syndrome. Last evaluated: 2023-05-04. Review status: criteria provided, single submitter. Criteria: Ambry Variant Classification Scheme 2023. Collection method: clinical testing. Allele origin: germline.
Comment: The p.K305T variant (also known as c.914A>C), located in coding exon 3 of the PHOX2B gene, results from an A to C substitution at nucleotide position 914. The lysine at codon 305 is replaced by threonine, an amino acid with similar properties. This amino acid position is highly conserved in available vertebrate species. In addition, the in silico prediction for this alteration is inconclusive. Since supporting evidence is limited at this time, the clinical significance of this alteration remains unclear.